The following is an entry in ClinVar:

NM_021939.4(FKBP10):c.1063+97G>A

Gene: FKBP10 (FKBP prolyl isomerase 10; plus strand). Cytogenetic location: 17q21.2.
Variant type: single nucleotide variant.
Coding change: c.1063+97G>A on transcript NM_021939.4 (MANE Select); 97 bases into the intron after coding-DNA position 1063, G replaced by A.
Molecular consequence: intron variant.
Genome position (GRCh38, 1-based): chr17:41,819,772, G>A. VCF-style: chr17-41819772-G-A. GRCh37 (hg19) VCF-style: chr17-39976024-G-A.
Identifiers: ClinVar variation 674878 (VCV000674878.2), dbSNP rs11079016, ClinGen allele CA14475091.
Genomic context (GRCh38, chr17:41,819,772, plus strand): 5'-TCCGAACTGCCCATTGTGTCTAGGCCACCCCCTCCCACAGTGGGATTCCAGGCACCGCTC[G>A]GCCCCTCTCATCACAAAAACATGCATGCAGCTTACATCTGGTCACCCCATCTGATTCCTG-3'

ClinVar aggregate classification (germline): Benign. Review status: criteria provided, multiple submitters, no conflicts (2 of 4 stars). 2 submissions from 2 submitters: Benign (2). Last evaluated 2018-06-14.

Allele frequency attached by ClinVar (database versions not stated): TOPMed 0.11627; 1000 Genomes Project 30x 0.12055; 1000 Genomes Project 0.12460; gnomAD 0.13208 and 0.13210; gnomAD exomes 0.15364.
gnomAD v4.1: 233,343 of 1,545,130 alleles (15%); highest among the groups gnomAD compares: Non-Finnish European, 16%; 18,649 homozygotes.

Submissions (2):

GeneDx
Classification: Benign. Last evaluated: 2018-06-14. Review status: criteria provided, single submitter. Criteria: GeneDx Variant Classification (06012015). Collection method: clinical testing. Allele origin: germline. Affected: yes.
Comment: This variant is considered likely benign or benign based on one or more of the following criteria: it is a conservative change, it occurs at a poorly conserved position in the protein, it is predicted to be benign by multiple in silico algorithms, and/or has population frequency not consistent with disease.

Breakthrough Genomics
Classification: Benign. Review status: criteria provided, single submitter. Criteria: ACMG Guidelines, 2015. Collection method: not provided. Allele origin: germline. Inheritance: Autosomal recessive inheritance. Affected: yes.